The following is an entry in ClinVar:

NM_001267550.2(TTN):c.83281G>C (p.Val27761Leu)

Genes: TTN (titin; minus strand), TTN-AS1 (TTN antisense RNA 1; plus strand). Cytogenetic location: 2q31.2.
Variant type: single nucleotide variant.
Coding change: c.83281G>C on transcript NM_001267550.2 (MANE Select); coding-DNA position 83281, G replaced by C.
Protein change: p.Val27761Leu; replaces valine 27761 with leucine.
Molecular consequence: missense variant.
Genome position (GRCh38, 1-based): chr2:178,562,851, C>G on the plus strand (G>C on the coding strand, the complement: TTN is on the minus strand). VCF-style: chr2-178562851-C-G. GRCh37 (hg19) VCF-style: chr2-179427578-C-G.
Other names: c.78358G>C, p.Val26120Leu (NM_001256850.1); c.56086G>C, p.Val18696Leu (NM_003319.4); c.75577G>C, p.Val25193Leu (NM_133378.4); c.56461G>C, p.Val18821Leu (NM_133432.3); c.56662G>C, p.Val18888Leu (NM_133437.4); short protein forms V25193L, V27761L, V18696L, V18888L, V26120L, V18821L.
Identifiers: ClinVar variation 332755 (VCV000332755.16), dbSNP rs371788070, ClinGen allele CA1988947.
Genomic context (GRCh38, chr2:178,562,851, plus strand): 5'-CTTTCTTCACTTCTCTTATGGTCAAATTCACAGGGGCACTTGGTGAGTCAAGAACTCTGA[C>G]GTTAACAAAAGCTGTTTTGGAGCCACTATTATTTTCTAATGTCAGATTATACCGACCACT-3'
Protein context (NP_001254479.2, residues 27751-27771): NSGSKTAFVN[Val27761Leu]RVLDSPSAPV

ClinVar aggregate classification (germline): Conflicting classifications of pathogenicity. Review status: criteria provided, conflicting classifications (1 of 4 stars). 12 submissions from 8 submitters: Uncertain significance (8); VUS-high (1); Likely benign (3). Last evaluated 2026-02-06.

Conditions:
Early-onset myopathy with fatal cardiomyopathy (CMYO5). Also called: Salih Myopathy; CONGENITAL MYOPATHY 5 WITH CARDIOMYOPATHY. Identifiers: Orphanet 289377, MedGen C2673677, MONDO:0012714, OMIM 611705. Disease mechanism: loss of function.
Autosomal recessive limb-girdle muscular dystrophy type 2J (LGMDR10). Also called: Limb-girdle muscular dystrophy, type 2J; MUSCULAR DYSTROPHY, LIMB-GIRDLE, AUTOSOMAL RECESSIVE 10. Identifiers: Orphanet 140922, MedGen C1837342, MONDO:0012127, OMIM 608807.
Dilated cardiomyopathy 1G (CMD1G). Identifiers: Orphanet 154, MedGen C1858763, MONDO:0011400, OMIM 604145.
Autosomal recessive titinopathy. Identifiers: MedGen CN315649, MONDO:0100493.
Cardiomyopathy (CMYO). Also called: Cardiomyopathies. Identifiers: Orphanet 167848, MedGen C0878544, MONDO:0004994, HP:0001638. Inheritance: Various modes of inheritance.
Myopathy, myofibrillar, 9, with early respiratory failure (MFM9). Also called: Hereditary myopathy with early respiratory failure; Myopathy, distal, with early respiratory failure, autosomal dominant; EDSTROM MYOPATHY; MYOPATHY, PROXIMAL, WITH EARLY RESPIRATORY MUSCLE INVOLVEMENT. Identifiers: Orphanet 178464, Orphanet 34521, MedGen C1863599, MONDO:0011362, OMIM 603689.
Tibial muscular dystrophy (TMD). Also called: Tibial muscular dystrophy, tardive; UDD MYOPATHY; Udd Distal Myopathy – Tibial Muscular Dystrophy. Identifiers: Orphanet 609, MedGen C1838244, MONDO:0010870, OMIM 600334.

Allele frequency attached by ClinVar (database versions not stated): TOPMed 0.00006; ESP Exome Variant Server 0.00017.
gnomAD v4.1: 214 of 1,612,754 alleles (0.013%); highest among the groups gnomAD compares: Non-Finnish European, 0.017%; no homozygotes.

Submissions (12):

Myofin, Folkhalsan Research Center
Classification: VUS-high for Autosomal recessive titinopathy. Last evaluated: 2026-02-06. Review status: criteria provided, single submitter. Criteria: ACMG Guidelines, 2015. Collection method: research. Allele origin: germline. Affected: yes.
Comment: The variant is rare in population databases (MAF 0.0001327 in gnomAD; no homozygotes reported) and has a high deleterious computational prediction (AlphaMissense 0.8250). Given limited case-level evidence and lack of robust variant-level functional/replication data, we classify this variant as Uncertain significance (VUS-high) for recessive titinopathy.

Women's Health and Genetics/Laboratory Corporation of America, LabCorp
Classification: Uncertain significance. Last evaluated: 2025-12-12. Review status: criteria provided, single submitter. Criteria: LabCorp Variant Classification Summary - May 2015. Collection method: clinical testing. Allele origin: germline.
Comment: Variant summary: TTN c.75577G>C (p.Val25193Leu) results in a conservative amino acid change in the encoded protein sequence. Algorithms developed to predict the effect of missense changes on protein structure and function are either unavailable or do not agree on the potential impact of this missense change. The variant allele was found at a frequency of 8.9e-05 in 246350 control chromosomes. This frequency is not significantly higher than estimated for disease-causing variants in TTN, allowing no conclusion about variant significance. c.75577G>C has been observed in individual affected with Dilated Cardiomyopathy with an unspecified TTN truncating variant (Franaszczyk_2017). These report(s) do not provide unequivocal conclusions about association of the variant with Dilated Cardiomyopathy and other TTN related conditions. To our knowledge, no experimental evidence demonstrating an impact on protein function has been reported. The following publication has been ascertained in the context of this evaluation (PMID: 28045975). ClinVar contains an entry for this variant (Variation ID: 332755). Based on the evidence outlined above, the variant was classified as uncertain significance.

Blueprint Genetics
Classification: Uncertain significance. Last evaluated: 2024-09-13. Review status: criteria provided, single submitter. Criteria: ACMG Guidelines, 2015. Collection method: clinical testing. Allele origin: germline.

Revvity Omics, Revvity
Classification: Uncertain significance. Last evaluated: 2023-08-16. Review status: criteria provided, single submitter. Criteria: ACMG Guidelines, 2015. Collection method: clinical testing. Allele origin: germline.

GeneDx
Classification: Likely benign. Last evaluated: 2018-11-15. Review status: criteria provided, single submitter. Criteria: GeneDx Variant Classification Process June 2021. Collection method: clinical testing. Allele origin: germline. Affected: yes.

Illumina Laboratory Services, Illumina
Classification: Uncertain significance for Dilated cardiomyopathy 1G. Last evaluated: 2018-01-12. Review status: criteria provided, single submitter. Criteria: ICSL Variant Classification Criteria 13 December 2019. Collection method: clinical testing. Allele origin: germline.

Illumina Laboratory Services, Illumina
Classification: Uncertain significance for Early-onset myopathy with fatal cardiomyopathy. Last evaluated: 2018-01-12. Review status: criteria provided, single submitter. Criteria: ICSL Variant Classification Criteria 13 December 2019. Collection method: clinical testing. Allele origin: germline.

Illumina Laboratory Services, Illumina
Classification: Likely benign for Tibial muscular dystrophy. Last evaluated: 2018-01-12. Review status: criteria provided, single submitter. Criteria: ICSL Variant Classification Criteria 13 December 2019. Collection method: clinical testing. Allele origin: germline.
Comment: This variant was observed in the ICSL laboratory as part of a predisposition screen in an ostensibly healthy population. It had not been previously curated by ICSL or reported in the Human Gene Mutation Database (HGMD: prior to June 1st, 2018), and was therefore a candidate for classification through an automated scoring system. Utilizing variant allele frequency, disease prevalence and penetrance estimates, and inheritance mode, an automated score was calculated to assess if this variant is too frequent to cause the disease. Based on the score and internal cut-off values, a variant classified as likely benign is not then subjected to further curation. The score for this variant resulted in a classification of likely benign for this disease.

Illumina Laboratory Services, Illumina
Classification: Likely benign for Myopathy, myofibrillar, 9, with early respiratory failure. Last evaluated: 2018-01-12. Review status: criteria provided, single submitter. Criteria: ICSL Variant Classification Criteria 13 December 2019. Collection method: clinical testing. Allele origin: germline.
Comment: the same text as in the submission from Illumina Laboratory Services, Illumina above.

Illumina Laboratory Services, Illumina
Classification: Uncertain significance for Autosomal recessive limb-girdle muscular dystrophy type 2J. Last evaluated: 2018-01-12. Review status: criteria provided, single submitter. Criteria: ICSL Variant Classification Criteria 13 December 2019. Collection method: clinical testing. Allele origin: germline.

CHEO Genetics Diagnostic Laboratory, Children's Hospital of Eastern Ontario
Classification: Uncertain significance for Cardiomyopathy. Last evaluated: 2017-11-28. Review status: criteria provided, single submitter. Criteria: ACMG Guidelines, 2015. Collection method: clinical testing. Allele origin: germline.

Labcorp Genetics (formerly Invitae), Labcorp
Classification: Uncertain significance for Dilated cardiomyopathy 1G; Autosomal recessive limb-girdle muscular dystrophy type 2J. Last evaluated: 2017-10-31. Review status: criteria provided, single submitter. Criteria: Invitae Variant Classification Sherloc (09022015). Collection method: clinical testing. Allele origin: germline.

Literature cited by the submitters: DOI 10.1101/2025.07.17.25331142 (cited by Myofin, Folkhalsan Research Center); PubMed 28045975 (cited by Women's Health and Genetics/Laboratory Corporation of America, LabCorp).